The following is an entry in ClinVar:

ClinVar aggregate classification (germline): Uncertain significance. Review status: criteria provided, multiple submitters, no conflicts (2 of 4 stars). 4 submissions from 4 submitters: Uncertain significance (3). 1 of the submissions does not count toward it. Last evaluated 2024-12-31.

Conditions:
Dyskeratosis congenita, autosomal recessive 5 (DKCB5). Identifiers: MedGen C3554656, MONDO:0014076, OMIM 615190.
Pulmonary fibrosis and/or bone marrow failure, Telomere-related, 3. Also called: PULMONARY FIBROSIS AND/OR BONE MARROW FAILURE SYNDROME, TELOMERE-RELATED, 3. Identifiers: Orphanet 2032, MedGen C4225346, MONDO:0014613, OMIM 616373.
Dyskeratosis congenita. Identifiers: Orphanet 1775, MedGen C0265965, MONDO:0015780.
Inborn genetic diseases. Identifiers: MedGen C0950123, MeSH D030342.

Allele frequency attached by ClinVar (database versions not stated): TOPMed 0.00002; gnomAD 0.00003.
gnomAD v4.1: 6 of 1,611,212 alleles (0.00037%); highest among the groups gnomAD compares: African/African-American, 0.008%; no homozygotes.

Submissions (4):

Ambry Genetics
Classification: Uncertain significance for Inborn genetic diseases. Last evaluated: 2024-12-31. Review status: criteria provided, single submitter. Criteria: Ambry Variant Classification Scheme 2023. Collection method: clinical testing. Allele origin: germline.
Comment: The p.K281N variant (also known as c.843G>C), located in coding exon 9 of the RTEL1 gene, results from a G to C substitution at nucleotide position 843. The lysine at codon 281 is replaced by asparagine, an amino acid with similar properties. This amino acid position is conserved. In addition, this alteration is predicted to be tolerated by in silico analysis. Based on the available evidence, the clinical significance of this variant remains unclear.

Labcorp Genetics (formerly Invitae), Labcorp
Classification: Uncertain significance for Dyskeratosis congenita, autosomal recessive 5; Pulmonary fibrosis and/or bone marrow failure, Telomere-related, 3. Last evaluated: 2023-09-25. Review status: criteria provided, single submitter. Criteria: Invitae Variant Classification Sherloc (09022015). Collection method: clinical testing. Allele origin: germline.
Comment: This sequence change replaces lysine, which is basic and polar, with asparagine, which is neutral and polar, at codon 257 of the RTEL1 protein (p.Lys257Asn). This variant is present in population databases (no rsID available, gnomAD 0.01%). This variant has not been reported in the literature in individuals affected with RTEL1-related conditions. ClinVar contains an entry for this variant (Variation ID: 1042528). An algorithm developed to predict the effect of missense changes on protein structure and function (PolyPhen-2) suggests that this variant is likely to be disruptive. In summary, the available evidence is currently insufficient to determine the role of this variant in disease. Therefore, it has been classified as a Variant of Uncertain Significance.

GeneDx
Classification: Uncertain significance. Last evaluated: 2019-05-28. Review status: criteria provided, single submitter. Criteria: GeneDx Variant Classification Process June 2021. Collection method: clinical testing. Allele origin: germline. Affected: yes.
Comment: In silico analysis, which includes protein predictors and evolutionary conservation, supports a deleterious effect; Has not been previously published as pathogenic or benign to our knowledge

Natera, Inc.
Classification: Uncertain significance for Dyskeratosis congenita. Last evaluated: 2020-03-24. Review status: no assertion criteria provided. Collection method: clinical testing. Allele origin: germline. Not counted in ClinVar's aggregate classification.

NM_001283009.2(RTEL1):c.771G>C (p.Lys257Asn)

Genes: RTEL1 (regulator of telomere elongation helicase 1; plus strand), RTEL1-TNFRSF6B (RTEL1-TNFRSF6B readthrough (NMD candidate); plus strand). Cytogenetic location: 20q13.33.
Variant type: single nucleotide variant.
Coding change: c.771G>C on transcript NM_001283009.2 (MANE Select); coding-DNA position 771, G replaced by C.
Protein change: p.Lys257Asn; replaces lysine 257 with asparagine.
Molecular consequence: missense variant. On other transcripts: non-coding transcript variant (1).
Genome position (GRCh38, 1-based): chr20:63,673,945, G>C. VCF-style: chr20-63673945-G-C. GRCh37 (hg19) VCF-style: chr20-62305298-G-C.
Other names: c.102G>C, p.Lys34Asn (NM_001283010.1); c.771G>C, p.Lys257Asn (NM_016434.4); c.843G>C, p.Lys281Asn (NM_032957.5); short protein forms K257N, K34N, K281N.
Identifiers: ClinVar variation 1042528 (VCV001042528.7), dbSNP rs1036504358, ClinGen allele CA317495794.